The following is an entry in ClinVar:

ClinVar aggregate classification (germline): Conflicting classifications of pathogenicity. Review status: criteria provided, conflicting classifications (1 of 4 stars). 3 submissions from 3 submitters: Uncertain significance (1); Likely benign (2). Last evaluated 2025-06-12.

Conditions:
Hereditary cancer-predisposing syndrome. Also called: Neoplastic Syndromes, Hereditary; Hereditary Cancer Syndrome; Hereditary neoplastic syndrome; Tumor predisposition. Identifiers: Orphanet 140162, MedGen C0027672, MeSH D009386, MONDO:0015356.
Wilms tumor 1 (WT1). Also called: Wilms tumor, somatic. Identifiers: Orphanet 654, MedGen CN033288, MONDO:0008679, OMIM 194070.
11p partial monosomy syndrome (WAGR). Also called: WAGR Complex; CHROMOSOME 11p13 DELETION SYNDROME; WAGR syndrome; WAGR Spectrum Disorder. Identifiers: Orphanet 893, MedGen C0206115, MONDO:0008681, OMIM 194072.
Drash syndrome (DDS). Also called: WILMS TUMOR AND PSEUDO- OR TRUE HERMAPHRODITISM; NEPHROPATHY, WILMS TUMOR, AND GENITAL ANOMALIES. Identifiers: Orphanet 220, MedGen C0950121, MONDO:0008682, OMIM 194080.
Frasier syndrome. Identifiers: Orphanet 347, MedGen C0950122, MeSH D052159, MONDO:0007635, OMIM 136680.

Allele frequency attached by ClinVar (database versions not stated): gnomAD 0.00001; TOPMed 0.00001.
gnomAD v4.1: 2 of 1,613,890 alleles (0.00012%); highest among the groups gnomAD compares: African/African-American, 0.0027%; no homozygotes.

Submissions (3):

Labcorp Genetics (formerly Invitae), Labcorp
Classification: Likely benign for Wilms tumor 1; Drash syndrome; 11p partial monosomy syndrome; Frasier syndrome. Last evaluated: 2025-06-12. Review status: criteria provided, single submitter. Criteria: Invitae Variant Classification Sherloc (09022015). Collection method: clinical testing. Allele origin: germline.

All of Us Research Program, National Institutes of Health
Classification: Likely benign for Wilms tumor 1. Last evaluated: 2023-02-15. Review status: criteria provided, single submitter. Criteria: ACMG Guidelines, 2015. Collection method: clinical testing. Allele origin: germline. Inheritance: Autosomal dominant inheritance. Observed: 1 variant allele, 1 heterozygote.
Comment: This study involves interpretation of variants in research participants for the purpose of population health screening. Participant phenotype was not available at the time of variant classification. Additional details can be found in publication PMID: 35346344, PMCID: PMC8962531

Sema4
Classification: Uncertain significance for Hereditary cancer-predisposing syndrome. Last evaluated: 2021-08-23. Review status: criteria provided, single submitter. Criteria: Sema4 Curation Guidelines. Collection method: curation. Allele origin: germline.
Comment: The WT1 c.1433-7T>C variant has not been reported in the literature to our knowledge. It was observed in 1/8706 chromosomes of the African/African American subpopulation in the large and broad cohorts of the Genome Aggregation Database (PMID: 32461654). The variant has been reported in ClinVar (Variation ID 1119006). Computational tools suggest that this variant has no impact on splicing, but this prediction has not been confirmed by functional studies. The evidence is insufficient to meet ACMG/AMP criteria for classifying the variant as benign or pathogenic. Thus, the clinical significance of this variant is currently uncertain.

NM_024426.6(WT1):c.1448-7T>C

Gene: WT1 (WT1 transcription factor; minus strand). Cytogenetic location: 11p13.
Variant type: single nucleotide variant.
Coding change: c.1448-7T>C on transcript NM_024426.6 (MANE Select); 7 bases into the intron before coding-DNA position 1448, T replaced by C.
Molecular consequence: intron variant.
Genome position (GRCh38, 1-based): chr11:32,389,186, A>G on the plus strand (T>C on the coding strand, the complement: WT1 is on the minus strand). VCF-style: chr11-32389186-A-G. GRCh37 (hg19) VCF-style: chr11-32410732-A-G.
Other names: c.1274-7T>C (NM_001407050.1); c.1316-7T>C (NM_001407047.1); c.1307-7T>C (NM_001407048.1); c.1304-7T>C (NM_001407049.1); c.1388-7T>C (NM_000378.6); c.1397-7T>C (NM_001407045.1); c.1433-7T>C (NM_001407044.1); c.1355-7T>C (NM_001407046.1); and 5 more.
Identifiers: ClinVar variation 1119006 (VCV001119006.11), dbSNP rs1392191365, ClinGen allele CA598392464.